The following is an entry in ClinVar:

NM_000414.4(HSD17B4):c.742C>T (p.Arg248Cys)

Gene: HSD17B4 (hydroxysteroid 17-beta dehydrogenase 4; plus strand). Cytogenetic location: 5q23.1.
Variant type: single nucleotide variant.
Coding change: c.742C>T on transcript NM_000414.4 (MANE Select); coding-DNA position 742, C replaced by T.
Protein change: p.Arg248Cys; replaces arginine 248 with cysteine.
Molecular consequence: missense variant.
Genome position (GRCh38, 1-based): chr5:119,493,820, C>T. VCF-style: chr5-119493820-C-T. GRCh37 (hg19) VCF-style: chr5-118829515-C-T.
Other names: c.817C>T, p.Arg273Cys (NM_001199291.3); c.688C>T, p.Arg230Cys (NM_001199292.2); c.670C>T, p.Arg224Cys (NM_001292027.2); c.322C>T, p.Arg108Cys (NM_001292028.2); short protein forms R248C, R224C, R230C, R108C, R273C.
Identifiers: ClinVar variation 371366 (VCV000371366.26), dbSNP rs969485098, ClinGen allele CA16040964.
Genomic context (GRCh38, chr5:119,493,820, plus strand): 5'-TCTTACTTTCTGTCTCTCAACTATGTGCTCAGTATGTTAGTTTTGTTTCTATAACCAGTA[C>T]GCTGGGAGCGGACTCTTGGAGCTATTGTAAGACAAAAGAATCACCCAATGACTCCTGAGG-3'
Protein context (NP_000405.1, residues 238-258): EVGAGWIGKL[Arg248Cys]WERTLGAIVR

ClinVar aggregate classification (germline): Pathogenic/Likely pathogenic. Review status: criteria provided, multiple submitters, no conflicts (2 of 4 stars). 8 submissions from 8 submitters: Pathogenic (6); Likely pathogenic (1). 1 of the submissions does not count toward it. Last evaluated 2025-04-29.

Conditions:
Perrault syndrome. Also called: Gonadal dysgenesis with auditory dysfunction, autosomal recessive inheritance. Identifiers: Orphanet 2855, MedGen C0685838, MONDO:0017312.
Bifunctional peroxisomal enzyme deficiency (DBIF). Also called: D-bifunctional protein deficiency; DBP DEFICIENCY; PBFE DEFICIENCY. Identifiers: Orphanet 300, MedGen C0342870, MONDO:0009855, OMIM 261515. Disease mechanism: loss of function.
Perrault syndrome 1 (PRLTS1). Also called: GONADAL DYSGENESIS, XX TYPE, WITH DEAFNESS; OVARIAN DYSGENESIS WITH SENSORINEURAL DEAFNESS. Identifiers: Orphanet 2855, Orphanet 642945, MedGen C4551721, MONDO:0009300, OMIM 233400.

Allele frequency attached by ClinVar (database versions not stated): gnomAD 0.00001; gnomAD exomes 0.00001; TOPMed 0.00001.
gnomAD v4.1: 6 of 1,612,514 alleles (0.00037%); highest among the groups gnomAD compares: Admixed American, 0.0017%; no homozygotes.

Submissions (8):

Natera, Inc.
Classification: Pathogenic for Bifunctional peroxisomal enzyme deficiency. Last evaluated: 2025-04-29. Review status: criteria provided, single submitter. Criteria: Natera Variant Classification Schema (03/2026). Collection method: clinical testing. Allele origin: germline.
Comment: The c.742C>T variant in HSD17B4 is a missense variant predicted to cause substitution of arginine to cysteine at amino acid 248. This variant is rare in the general population with a frequency below the threshold expected for the associated phenotype(s). This variant has been observed in one or more individuals affected with the associated recessive disease, as either homozygous or compound heterozygous with a second variant (PMID: 32528852). A different variant at the same position has been determined to be Pathogenic or Likely Pathogenic. Computational prediction algorithms indicate this variant is likely to affect gene or protein function. Given the available evidence, this variant is classified as Pathogenic.

Fulgent Genetics
Classification: Pathogenic for Perrault syndrome 1; Bifunctional peroxisomal enzyme deficiency. Last evaluated: 2024-05-07. Review status: criteria provided, single submitter. Criteria: ACMG Guidelines, 2015. Collection method: clinical testing. Allele origin: germline.

Baylor Genetics
Classification: Pathogenic for Bifunctional peroxisomal enzyme deficiency. Last evaluated: 2024-03-06. Review status: criteria provided, single submitter. Criteria: ACMG Guidelines, 2015. Collection method: clinical testing. Allele origin: unknown.

GeneDx
Classification: Pathogenic. Last evaluated: 2024-02-07. Review status: criteria provided, single submitter. Criteria: GeneDx Variant Classification Process June 2021. Collection method: clinical testing. Allele origin: germline. Affected: yes.
Comment: Published functional studies found this variant is associated with reduced enzyme kinetic performance compared to wild type, with residual enzyme activity (PMID: 23308274); Not observed at significant frequency in large population cohorts (gnomAD); In silico analysis supports that this missense variant has a deleterious effect on protein structure/function; This variant is associated with the following publications: (PMID: 34234304, 31589614, 34426522, 16385454, 27528516, 32528852, 23308274, 29482223)

Labcorp Genetics (formerly Invitae), Labcorp
Classification: Pathogenic for Perrault syndrome; Bifunctional peroxisomal enzyme deficiency. Last evaluated: 2023-12-23. Review status: criteria provided, single submitter. Criteria: Invitae Variant Classification Sherloc (09022015). Collection method: clinical testing. Allele origin: germline.
Comment: This sequence change replaces arginine, which is basic and polar, with cysteine, which is neutral and slightly polar, at codon 248 of the HSD17B4 protein (p.Arg248Cys). This variant is present in population databases (no rsID available, gnomAD 0.003%). This missense change has been observed in individuals with D-bifunctional protein (DBP) deficiency or Perrault syndrome (PMID: 16385454, 27528516). This variant is also known as p.Arg273Cys. ClinVar contains an entry for this variant (Variation ID: 371366). An algorithm developed to predict the effect of missense changes on protein structure and function (PolyPhen-2) suggests that this variant is likely to be disruptive. Experimental studies have shown that this missense change affects HSD17B4 function (PMID: 23308274). For these reasons, this variant has been classified as Pathogenic.

Women's Health and Genetics/Laboratory Corporation of America, LabCorp
Classification: Pathogenic for Bifunctional peroxisomal enzyme deficiency. Last evaluated: 2018-09-28. Review status: criteria provided, single submitter. Criteria: LabCorp Variant Classification Summary - May 2015. Collection method: clinical testing. Allele origin: germline.
Comment: Variant summary: HSD17B4 c.742C>T (p.Arg248Cys) results in a non-conservative amino acid change in the encoded protein sequence. Four of four in-silico tools predict a damaging effect of the variant on protein function (MutationTaster not captured here due to low p-value). The variant allele was found at a frequency of 8.1e-06 in 245518 control chromosomes (gnomAD). c.742C>T has been reported in the literature in multiple individuals affected with D-Bifunctional Protein Deficiency (Ferdinandusse_2006). These data indicate that the variant is very likely to be associated with disease. At least one publication reports experimental evidence evaluating an impact on protein function. The most pronounced variant effect results in 10%-<30% of normal activity (Mehtala_2013). A ClinVar submission from a clinical diagnostic laboratory (evaluation after 2014) cites the variant as likely pathogenic. Based on the evidence outlined above, the variant was classified as pathogenic.

Juno Genomics, Hangzhou Juno Genomics, Inc
Classification: Likely pathogenic for Bifunctional peroxisomal enzyme deficiency; Perrault syndrome 1. Review status: criteria provided, single submitter. Criteria: ACMG Guidelines, 2015. Collection method: clinical testing. Allele origin: germline.
Comment: Absent from controls (or at extremely low frequency if recessive) in Genome Aggregation Database.;Multiple lines of computational evidence support a deleterious effect on the gene or gene product.;For recessive disorders, detected in trans with a pathogenic variant.;Co-segregation with disease in multiple affected family members.

Counsyl
Classification: Likely pathogenic for Bifunctional peroxisomal enzyme deficiency. Last evaluated: 2016-09-09. Review status: no assertion criteria provided. Collection method: clinical testing. Allele origin: unknown. Not counted in ClinVar's aggregate classification.

Literature cited by the submitters: PubMed 32528852 (cited by Natera, Inc.); PubMed 16385454 (cited by 3 submitters); PubMed 27528516 (cited by Labcorp Genetics (formerly Invitae), Labcorp); PubMed 23308274 (cited by Labcorp Genetics (formerly Invitae), Labcorp and Counsyl).